The following is an entry in ClinVar:

NM_000435.3(NOTCH3):c.163T>C (p.Cys55Arg)

Gene: NOTCH3 (notch receptor 3; minus strand). Cytogenetic location: 19p13.12.
Variant type: single nucleotide variant.
Coding change: c.163T>C on transcript NM_000435.3 (MANE Select); coding-DNA position 163, T replaced by C.
Protein change: p.Cys55Arg; replaces cysteine 55 with arginine.
Molecular consequence: missense variant.
Genome position (GRCh38, 1-based): chr19:15,197,534, A>G on the plus strand (T>C on the coding strand, the complement: NOTCH3 is on the minus strand). VCF-style: chr19-15197534-A-G. GRCh37 (hg19) VCF-style: chr19-15308345-A-G.
Other names: short protein forms C55R.
Identifiers: ClinVar variation 585597 (VCV000585597.2), dbSNP rs1568363980, ClinGen allele CA404483376.

ClinVar aggregate classification (germline): Pathogenic (1 of 4 stars; one submission).

Submission:

Athena Diagnostics
Classification: Pathogenic. Last evaluated: 2019-03-07. Review status: criteria provided, single submitter. Criteria: Athena Diagnostics Criteria. Collection method: clinical testing. Allele origin: germline.
Comment: The variant disrupts a cysteine residue in an EGF-like repeat domain, which are important for the structure of this protein. Therefore it is expected to severely affect the function of the protein. Found in at least one symptomatic patient, and not found in general population data. Predicted to have a damaging effect on the protein. One other pathogenic or likely pathogenic variant affects the same amino acid.